The following is an entry in ClinVar:

NM_013432.5(TONSL):c.242A>G (p.Glu81Gly)

Gene: TONSL (tonsoku like, DNA repair protein; minus strand). Cytogenetic location: 8q24.3.
Variant type: single nucleotide variant.
Coding change: c.242A>G on transcript NM_013432.5 (MANE Select); coding-DNA position 242, A replaced by G.
Protein change: p.Glu81Gly; replaces glutamic acid 81 with glycine.
Molecular consequence: missense variant.
Genome position (GRCh38, 1-based): chr8:144,443,904, T>C on the plus strand (A>G on the coding strand, the complement: TONSL is on the minus strand). VCF-style: chr8-144443904-T-C. GRCh37 (hg19) VCF-style: chr8-145669287-T-C.
Other names: c.242A>G (NM_013432.4); short protein forms E81G.
Identifiers: ClinVar variation 1036046 (VCV001036046.4), dbSNP rs1013538079, ClinGen allele CA187678496.

ClinVar aggregate classification (germline): Uncertain significance. Review status: criteria provided, multiple submitters, no conflicts (2 of 4 stars). 2 submissions from 2 submitters: Uncertain significance (2). Last evaluated 2025-02-18.

Conditions:
Inborn genetic diseases. Identifiers: MedGen C0950123, MeSH D030342.

Allele frequency attached by ClinVar (database versions not stated): gnomAD 0.00002; TOPMed 0.00003; gnomAD exomes 0.00005 and 0.00016; 1000 Genomes Project 30x 0.00031.
gnomAD v4.1: 30 of 1,545,574 alleles (0.0019%); highest among the groups gnomAD compares: Admixed American, 0.049%; no homozygotes.

Submissions (2):

Ambry Genetics
Classification: Uncertain significance for Inborn genetic diseases. Last evaluated: 2025-02-18. Review status: criteria provided, single submitter. Criteria: Ambry Variant Classification Scheme 2023. Collection method: clinical testing. Allele origin: germline.

Labcorp Genetics (formerly Invitae), Labcorp
Classification: Uncertain significance. Last evaluated: 2024-10-28. Review status: criteria provided, single submitter. Criteria: Invitae Variant Classification Sherloc (09022015). Collection method: clinical testing. Allele origin: germline.
Comment: This sequence change replaces glutamic acid, which is acidic and polar, with glycine, which is neutral and non-polar, at codon 81 of the TONSL protein (p.Glu81Gly). This variant is present in population databases (no rsID available, gnomAD 0.09%). This variant has not been reported in the literature in individuals affected with TONSL-related conditions. ClinVar contains an entry for this variant (Variation ID: 1036046). Invitae Evidence Modeling of protein sequence and biophysical properties (such as structural, functional, and spatial information, amino acid conservation, physicochemical variation, residue mobility, and thermodynamic stability) indicates that this missense variant is not expected to disrupt TONSL protein function with a negative predictive value of 80%. In summary, the available evidence is currently insufficient to determine the role of this variant in disease. Therefore, it has been classified as a Variant of Uncertain Significance.